The following is an entry in ClinVar:

ClinVar aggregate classification (germline): Likely benign. Review status: criteria provided, multiple submitters, no conflicts (2 of 4 stars). 2 submissions from 2 submitters: Likely benign (2). Last evaluated 2025-08-19.

Conditions:
Familial melanoma. Also called: Hereditary melanoma; Hereditary cutaneous melanoma. Identifiers: Orphanet 618, MedGen C1512419, MONDO:0018961.
Melanoma-pancreatic cancer syndrome. Identifiers: Orphanet 404560, MedGen C1838547, MONDO:0011713, OMIM 606719. Disease mechanism: loss of function.

Submissions (2):

Myriad Genetics, Inc.
Classification: Likely benign for Melanoma-pancreatic cancer syndrome. Last evaluated: 2025-08-19. Review status: criteria provided, single submitter. Criteria: Myriad Autosomal Dominant, Autosomal Recessive and X-Linked Classification Criteria (2023). Collection method: clinical testing. Allele origin: unknown.
Comment: This variant is considered likely benign. This variant is intronic and is not expected to impact mRNA splicing.

Labcorp Genetics (formerly Invitae), Labcorp
Classification: Likely benign for Familial melanoma. Last evaluated: 2021-06-08. Review status: criteria provided, single submitter. Criteria: Invitae Variant Classification Sherloc (09022015). Collection method: clinical testing. Allele origin: germline.

NM_000077.5(CDKN2A):c.458-10C>T

Gene: CDKN2A (cyclin dependent kinase inhibitor 2A; minus strand). Cytogenetic location: 9p21.3.
Variant type: single nucleotide variant.
Coding change: c.458-10C>T on transcript NM_000077.5 (MANE Select); 10 bases into the intron before coding-DNA position 458, C replaced by T.
Molecular consequence: intron variant.
Genome position (GRCh38, 1-based): chr9:21,968,252, G>A on the plus strand (C>T on the coding strand, the complement: CDKN2A is on the minus strand). VCF-style: chr9-21968252-G-A. GRCh37 (hg19) VCF-style: chr9-21968251-G-A.
Other names: c.305-10C>T (NM_001363763.2); c.*102-10C>T (NM_058195.4); c.*151-10C>T (NM_001195132.2); c.*381-10C>T (NM_058197.5).
Identifiers: ClinVar variation 1665968 (VCV001665968.9), dbSNP rs748219065, ClinGen allele CA2573143727.